The following is an entry in ClinVar:

ClinVar aggregate classification (germline): Likely pathogenic (1 of 4 stars; one submission).

Conditions:
CODAS syndrome. Also called: CEREBRAL, OCULAR, DENTAL, AURICULAR, AND SKELETAL ANOMALIES SYNDROME. Identifiers: Orphanet 1458, MedGen C1838180, MONDO:0010879, OMIM 600373.

Submission:

3billion
Classification: Likely pathogenic for CODAS syndrome. Last evaluated: 2024-02-16. Review status: criteria provided, single submitter. Criteria: ACMG Guidelines, 2015. Collection method: clinical testing. Allele origin: germline. Affected: yes.
Comment: The variant is not observed in the gnomAD v2.1.1 dataset. Predicted Consequence/Location: Frameshift: predicted to result in a loss or disruption of normal protein function through nonsense-mediated decay (NMD) or protein truncation. Multiple pathogenic variants are reported downstream of the variant. Therefore, this variant is classified as Likely pathogenic according to the recommendation of ACMG/AMP guideline.

NM_004793.4(LONP1):c.1147dup

Gene: LONP1 (lon peptidase 1, mitochondrial; minus strand). Cytogenetic location: 19p13.3.
Variant type: Duplication.
Coding change: c.1147dup on transcript NM_004793.4 (MANE Select); coding-DNA position 1147, one base duplicated (G; older notation c.1147dupG).
Molecular consequence: splice acceptor variant.
Genome position (GRCh38, 1-based): chr19:5,705,992, C duplicated on the plus strand (G on the coding strand, the reverse complement: LONP1 is on the minus strand); the first of 2 consecutive C bases (chr19:5,705,992-5,705,993); duplicating either gives the same sequence. VCF-style (leftmost placement, unchanged base first): chr19-5705991-A-AC. GRCh37 (hg19) VCF-style: chr19-5706002-A-AC.
Identifiers: ClinVar variation 3775447 (VCV003775447.1).